The following is an entry in ClinVar:

NM_006790.3(MYOT):c.232G>A (p.Gly78Ser)

Genes: PKD2L2-DT (PKD2L2 divergent transcript; minus strand), MYOT (myotilin; plus strand). Cytogenetic location: 5q31.2.
Variant type: single nucleotide variant.
Coding change: c.232G>A on transcript NM_006790.3 (MANE Select); coding-DNA position 232, G replaced by A.
Protein change: p.Gly78Ser; replaces glycine 78 with serine.
Molecular consequence: missense variant. On other transcripts: 5 prime UTR variant (1), intron variant (1).
Genome position (GRCh38, 1-based): chr5:137,870,883, G>A. VCF-style: chr5-137870883-G-A. GRCh37 (hg19) VCF-style: chr5-137206572-G-A.
Other names: c.-114G>A (NM_001300911.2); c.-197+358G>A (NM_001135940.2); short protein forms G78S.
Identifiers: ClinVar variation 950553 (VCV000950553.14), dbSNP rs1755029530, ClinGen allele CA361053185.
Genomic context (GRCh38, chr5:137,870,883, plus strand): 5'-CTGAGCTCTCACATCACCATGTCCTCCTCTGCTTTCCCTGCTTCTCCCCAGCAGCATGCT[G>A]GCTCCAACCCAGGCCAAAGGGTTACAACCACCTATAACCAGTCCCCAGCCAGCTTCCTCA-3'
Protein context (NP_006781.1, residues 68-88): AFPASPQQHA[Gly78Ser]SNPGQRVTTT

ClinVar aggregate classification (germline): Uncertain significance. Review status: criteria provided, multiple submitters, no conflicts (2 of 4 stars). 3 submissions from 3 submitters: Uncertain significance (3). Last evaluated 2025-11-24.

Conditions:
Inborn genetic diseases. Identifiers: MedGen C0950123, MeSH D030342.
Myofibrillar myopathy 3 (MFM3). Also called: Autosomal dominant spheroid body myopathy; Muscular dystrophy, proximal, type 1A. Identifiers: Orphanet 266, Orphanet 268129, MedGen C3714934, MONDO:0012215, OMIM 609200.

Allele frequency attached by ClinVar (database versions not stated): TOPMed below 0.00001; gnomAD 0.00001; gnomAD exomes 0.00001.
gnomAD v4.1: 12 of 1,614,032 alleles (0.00074%); highest among the groups gnomAD compares: Non-Finnish European, 0.001%; no homozygotes.

Submissions (3):

Labcorp Genetics (formerly Invitae), Labcorp
Classification: Uncertain significance for Myofibrillar myopathy 3. Last evaluated: 2025-11-24. Review status: criteria provided, single submitter. Criteria: Invitae Variant Classification Sherloc (09022015). Collection method: clinical testing. Allele origin: germline.
Comment: This sequence change replaces glycine, which is neutral and non-polar, with serine, which is neutral and polar, at codon 78 of the MYOT protein (p.Gly78Ser). This variant is not present in population databases (gnomAD no frequency). This variant has not been reported in the literature in individuals affected with MYOT-related conditions. ClinVar contains an entry for this variant (Variation ID: 950553). Invitae Evidence Modeling of protein sequence and biophysical properties (such as structural, functional, and spatial information, amino acid conservation, physicochemical variation, residue mobility, and thermodynamic stability) indicates that this missense variant is not expected to disrupt MYOT protein function with a negative predictive value of 80%. In summary, the available evidence is currently insufficient to determine the role of this variant in disease. Therefore, it has been classified as a Variant of Uncertain Significance.

Ambry Genetics
Classification: Uncertain significance for Inborn genetic diseases. Last evaluated: 2023-02-28. Review status: criteria provided, single submitter. Criteria: Ambry Variant Classification Scheme 2023. Collection method: clinical testing. Allele origin: germline.

Revvity Omics, Revvity
Classification: Uncertain significance for Myofibrillar myopathy 3. Last evaluated: 2019-05-29. Review status: criteria provided, single submitter. Criteria: ACMG Guidelines, 2015. Collection method: clinical testing. Allele origin: germline.